The following is an entry in ClinVar:

ClinVar aggregate classification (germline): Uncertain significance (1 of 4 stars; one submission).

Conditions:
Alstrom syndrome (ALMS). Identifiers: Orphanet 64, MedGen C0268425, MONDO:0008763, OMIM 203800.

gnomAD v4.1: 4 of 1,613,940 alleles (0.00025%); highest among the groups gnomAD compares: Non-Finnish European, 0.00034%; no homozygotes.

Submission:

Labcorp Genetics (formerly Invitae), Labcorp
Classification: Uncertain significance for Alstrom syndrome. Last evaluated: 2025-04-28. Review status: criteria provided, single submitter. Criteria: Invitae Variant Classification Sherloc (09022015). Collection method: clinical testing. Allele origin: germline.
Comment: This sequence change replaces proline, which is neutral and non-polar, with threonine, which is neutral and polar, at codon 1044 of the ALMS1 protein (p.Pro1044Thr). This variant is present in population databases (rs376987487, gnomAD 0.002%). This variant has not been reported in the literature in individuals affected with ALMS1-related conditions. ClinVar contains an entry for this variant (Variation ID: 1405113). Experimental studies and prediction algorithms are not available or were not evaluated, and the functional significance of this variant is currently unknown. In summary, the available evidence is currently insufficient to determine the role of this variant in disease. Therefore, it has been classified as a Variant of Uncertain Significance.

NM_001378454.1(ALMS1):c.3127C>A (p.Pro1043Thr)

Gene: ALMS1 (ALMS1 centrosome and basal body associated protein; plus strand). Cytogenetic location: 2p13.1.
Variant type: single nucleotide variant.
Coding change: c.3127C>A on transcript NM_001378454.1 (MANE Select); coding-DNA position 3127, C replaced by A.
Protein change: p.Pro1043Thr; replaces proline 1043 with threonine.
Molecular consequence: missense variant.
Genome position (GRCh38, 1-based): chr2:73,449,654, C>A. VCF-style: chr2-73449654-C-A. GRCh37 (hg19) VCF-style: chr2-73676781-C-A.
Other names: c.3130C>A, p.Pro1044Thr (NM_015120.4); short protein forms P1044T, P1043T.
Identifiers: ClinVar variation 1405113 (VCV001405113.5), dbSNP rs376987487, ClinGen allele CA1713466.